The following is an entry in ClinVar:

ClinVar aggregate classification (germline): Uncertain significance. Review status: criteria provided, multiple submitters, no conflicts (2 of 4 stars). 2 submissions from 2 submitters: Uncertain significance (2). Last evaluated 2025-04-24.

Conditions:
Inborn genetic diseases. Identifiers: MedGen C0950123, MeSH D030342.

Submissions (2):

Ambry Genetics
Classification: Uncertain significance for Inborn genetic diseases. Last evaluated: 2025-04-24. Review status: criteria provided, single submitter. Criteria: Ambry Variant Classification Scheme 2023. Collection method: clinical testing. Allele origin: germline.

Labcorp Genetics (formerly Invitae), Labcorp
Classification: Uncertain significance. Last evaluated: 2024-10-15. Review status: criteria provided, single submitter. Criteria: Invitae Variant Classification Sherloc (09022015). Collection method: clinical testing. Allele origin: germline.
Comment: This sequence change replaces lysine, which is basic and polar, with asparagine, which is neutral and polar, at codon 451 of the LRP5 protein (p.Lys451Asn). This variant is not present in population databases (gnomAD no frequency). This variant has not been reported in the literature in individuals affected with LRP5-related conditions. ClinVar contains an entry for this variant (Variation ID: 1378477). Invitae Evidence Modeling of protein sequence and biophysical properties (such as structural, functional, and spatial information, amino acid conservation, physicochemical variation, residue mobility, and thermodynamic stability) has been performed for this missense variant. However, the output from this modeling did not meet the statistical confidence thresholds required to predict the impact of this variant on LRP5 protein function. In summary, the available evidence is currently insufficient to determine the role of this variant in disease. Therefore, it has been classified as a Variant of Uncertain Significance.

NM_002335.4(LRP5):c.1353G>T (p.Lys451Asn)

Gene: LRP5 (LDL receptor related protein 5; plus strand). Cytogenetic location: 11q13.2.
Variant type: single nucleotide variant.
Coding change: c.1353G>T on transcript NM_002335.4 (MANE Select); coding-DNA position 1353, G replaced by T.
Protein change: p.Lys451Asn; replaces lysine 451 with asparagine.
Molecular consequence: missense variant. On other transcripts: 5 prime UTR variant (1).
Genome position (GRCh38, 1-based): chr11:68,386,653, G>T. VCF-style: chr11-68386653-G-T. GRCh37 (hg19) VCF-style: chr11-68154121-G-T.
Other names: c.-413G>T (NM_001291902.2); c.1353G>T (NM_002335.2); short protein forms K451N.
Identifiers: ClinVar variation 1378477 (VCV001378477.9), dbSNP rs2153153312, ClinGen allele CA381612764.